The following is an entry in ClinVar:

ClinVar aggregate classification (germline): Uncertain significance (1 of 4 stars; one submission).

Conditions:
Familial encephalopathy with neuroserpin inclusion bodies. Also called: ENCEPHALOPATHY, FAMILIAL, WITH COLLINS BODIES. Identifiers: Orphanet 85110, MedGen C1858680, MONDO:0011412, OMIM 604218.

Submission:

Labcorp Genetics (formerly Invitae), Labcorp
Classification: Uncertain significance for Familial encephalopathy with neuroserpin inclusion bodies. Last evaluated: 2022-10-06. Review status: criteria provided, single submitter. Criteria: Invitae Variant Classification Sherloc (09022015). Collection method: clinical testing. Allele origin: germline.
Comment: In summary, the available evidence is currently insufficient to determine the role of this variant in disease. Therefore, it has been classified as a Variant of Uncertain Significance. This variant has not been reported in the literature in individuals affected with SERPINI1-related conditions. This variant is not present in population databases (gnomAD no frequency). This sequence change creates a premature translational stop signal (p.Gln143*) in the SERPINI1 gene. It is expected to result in an absent or disrupted protein product. However, the current clinical and genetic evidence is not sufficient to establish whether loss-of-function variants in SERPINI1 cause disease.

NM_001122752.2(SERPINI1):c.427C>T (p.Gln143Ter)

Gene: SERPINI1 (serpin family I member 1; plus strand). Cytogenetic location: 3q26.1.
Variant type: single nucleotide variant.
Coding change: c.427C>T on transcript NM_001122752.2 (MANE Select); coding-DNA position 427, C replaced by T.
Protein change: p.Gln143Ter; replaces glutamine 143 with a stop codon.
Molecular consequence: nonsense.
Genome position (GRCh38, 1-based): chr3:167,790,548, C>T. VCF-style: chr3-167790548-C-T. GRCh37 (hg19) VCF-style: chr3-167508336-C-T.
Other names: c.427C>T, p.Gln143Ter (NM_005025.5); short protein forms Q143*.
Identifiers: ClinVar variation 1945054 (VCV001945054.5), dbSNP rs2476226631, ClinGen allele CA355156290.